The following is an entry in ClinVar:

ClinVar aggregate classification (germline): Uncertain significance. Review status: criteria provided, single submitter (1 of 4 stars). 2 submissions from 2 submitters: Uncertain significance (1). 1 of the submissions does not count toward it. Last evaluated 2023-08-25.

Conditions:
Rothmund-Thomson syndrome type 2 (RTS2). Identifiers: Orphanet 221016, MedGen C5203410, MONDO:0016369, OMIM 268400.
Baller-Gerold syndrome (BGS). Also called: CRANIOSYNOSTOSIS WITH RADIAL DEFECTS. Identifiers: Orphanet 1225, MedGen C0265308, MONDO:0009039, OMIM 218600.

Submissions (2):

Labcorp Genetics (formerly Invitae), Labcorp
Classification: Uncertain significance for Baller-Gerold syndrome. Last evaluated: 2023-08-25. Review status: criteria provided, single submitter. Criteria: Invitae Variant Classification Sherloc (09022015). Collection method: clinical testing. Allele origin: germline.
Comment: This variant, c.1919_1924del, is a complex sequence change that results in the deletion of 2 and insertion of 1 amino acid(s) in the RECQL4 protein (p.Leu640_Ala642delinsPro). This variant is not present in population databases (gnomAD no frequency). In summary, the available evidence is currently insufficient to determine the role of this variant in disease. Therefore, it has been classified as a Variant of Uncertain Significance. Algorithms developed to predict the effect of sequence changes on RNA splicing suggest that this variant may create or strengthen a splice site. ClinVar contains an entry for this variant (Variation ID: 6076). This variant has been observed in individual(s) with Rothmund-Thomson syndrome (PMID: 20503338). In at least one individual the data is consistent with being in trans (on the opposite chromosome) from a pathogenic variant.

OMIM
Classification: Pathogenic for ROTHMUND-THOMSON SYNDROME, TYPE 2. Last evaluated: 2010-06-01. Review status: no assertion criteria provided. Collection method: literature only. Allele origin: germline. Not counted in ClinVar's aggregate classification.

Literature cited by the submitters: PubMed 20503338 (cited by Labcorp Genetics (formerly Invitae), Labcorp and OMIM).

NM_004260.4(RECQL4):c.1919_1924del (p.Leu640_Ala642delinsPro)

Gene: RECQL4 (RecQ like helicase 4; minus strand). Cytogenetic location: 8q24.3.
Variant type: Deletion.
Coding change: c.1919_1924del on transcript NM_004260.4 (MANE Select); coding-DNA positions 1919 to 1924, 6 bases deleted (TCACAG; older notation c.1919_1924delTCACAG).
Protein change: p.Leu640_Ala642delinsPro.
Molecular consequence: inframe indel.
Genome position (GRCh38, 1-based): chr8:144,514,062-144,514,067, CTGTGA deleted on the plus strand (TCACAG on the coding strand, the reverse complement: RECQL4 is on the minus strand). VCF-style (leftmost placement, unchanged base first): chr8-144514061-GCTGTGA-G. GRCh37 (hg19) VCF-style: chr8-145739445-GCTGTGA-G.
Identifiers: ClinVar variation 6076 (VCV000006076.5), dbSNP rs786200890, ClinGen allele CA253759.